The following is an entry in ClinVar:

NM_014727.3(KMT2B):c.5438-2A>G

Gene: KMT2B (lysine methyltransferase 2B; plus strand). Cytogenetic location: 19q13.12.
Variant type: single nucleotide variant.
Coding change: c.5438-2A>G on transcript NM_014727.3 (MANE Select); the canonical splice acceptor site of the intron before coding-DNA position 5438, A replaced by G.
Molecular consequence: splice acceptor variant.
Genome position (GRCh38, 1-based): chr19:35,731,906, A>G. VCF-style: chr19-35731906-A-G. GRCh37 (hg19) VCF-style: chr19-36222807-A-G.
Identifiers: ClinVar variation 5037426 (VCV005037426.1).

ClinVar aggregate classification (germline): Likely pathogenic (1 of 4 stars; one submission).

Submission:

GeneDx
Classification: Likely pathogenic. Last evaluated: 2026-04-20. Review status: criteria provided, single submitter. Criteria: GeneDx Variant Classification Process June 2021. Collection method: clinical testing. Allele origin: germline.
Comment: Canonical splice site variant predicted to result in an in-frame loss of the adjacent exon in a gene for which loss of function is a known mechanism of disease; Not observed at significant frequency in large population cohorts (gnomAD); Has not been previously published as pathogenic or benign to our knowledge